The following is an entry in ClinVar:

NM_000038.6(APC):c.1719G>T (p.Met573Ile)

Gene: APC (APC regulator of Wnt signaling pathway; plus strand). Cytogenetic location: 5q22.2.
Variant type: single nucleotide variant.
Coding change: c.1719G>T on transcript NM_000038.6 (MANE Select); coding-DNA position 1719, G replaced by T.
Protein change: p.Met573Ile; replaces methionine 573 with isoleucine.
Molecular consequence: missense variant.
Genome position (GRCh38, 1-based): chr5:112,828,948, G>T. VCF-style: chr5-112828948-G-T. GRCh37 (hg19) VCF-style: chr5-112164645-G-T.
Other names: c.1719G>T, p.Met573Ile (NM_001127510.3, NM_001354895.2); c.1665G>T, p.Met555Ile (NM_001127511.3); c.1773G>T, p.Met591Ile (NM_001354896.2); c.1749G>T, p.Met583Ile (NM_001354897.2); c.1644G>T, p.Met548Ile (NM_001354898.2); c.1635G>T, p.Met545Ile (NM_001354899.2); c.1596G>T, p.Met532Ile (NM_001354900.2); c.1542G>T, p.Met514Ile (NM_001354901.2); and 5 more; short protein forms M290I, M532I, M573I, M514I, M548I, M591I, M413I, M472I.
Identifiers: ClinVar variation 1390886 (VCV001390886.6), dbSNP rs1161331476, ClinGen allele CA16025066.
Genomic context (GRCh38, chr5:112,828,948, plus strand): 5'-GCGAGCAGATGTAAATAGTAAAAAGACGTTGCGAGAAGTTGGAAGTGTGAAAGCATTGAT[G>T]GAATGTGCTTTAGAAGTTAAAAAGGTACCTTTGAAAACATTTAGTACTATAATATGAATT-3'
Protein context (NP_000029.2, residues 563-583): LREVGSVKAL[Met573Ile]ECALEVKKES

ClinVar aggregate classification (germline): Uncertain significance (1 of 4 stars; one submission).

Conditions:
Familial adenomatous polyposis 1 (FAP1). Also called: FAMILIAL ADENOMATOUS POLYPOSIS 1, ATTENUATED; POLYPOSIS, ADENOMATOUS INTESTINAL. Identifiers: MedGen C2713442, MONDO:0021056, OMIM 175100. Disease mechanism: loss of function.

Submission:

Labcorp Genetics (formerly Invitae), Labcorp
Classification: Uncertain significance for Familial adenomatous polyposis 1. Last evaluated: 2021-11-02. Review status: criteria provided, single submitter. Criteria: Invitae Variant Classification Sherloc (09022015). Collection method: clinical testing. Allele origin: germline.
Comment: In summary, the available evidence is currently insufficient to determine the role of this variant in disease. Therefore, it has been classified as a Variant of Uncertain Significance. Algorithms developed to predict the effect of missense changes on protein structure and function (SIFT, PolyPhen-2, Align-GVGD) all suggest that this variant is likely to be tolerated. This variant has not been reported in the literature in individuals affected with APC-related conditions. This variant is not present in population databases (gnomAD no frequency). This sequence change replaces methionine, which is neutral and non-polar, with isoleucine, which is neutral and non-polar, at codon 573 of the APC protein (p.Met573Ile).